The following is an entry in ClinVar:

NM_001355436.2(SPTB):c.4054C>T (p.Gln1352Ter)

Gene: SPTB (spectrin beta, erythrocytic; minus strand). Cytogenetic location: 14q23.3.
Variant type: single nucleotide variant.
Coding change: c.4054C>T on transcript NM_001355436.2 (MANE Select); coding-DNA position 4054, C replaced by T.
Protein change: p.Gln1352Ter; replaces glutamine 1352 with a stop codon.
Molecular consequence: nonsense.
Genome position (GRCh38, 1-based): chr14:64,782,502, G>A on the plus strand (C>T on the coding strand, the complement: SPTB is on the minus strand). VCF-style: chr14-64782502-G-A. GRCh37 (hg19) VCF-style: chr14-65249220-G-A.
Other names: c.4054C>T, p.Gln1352Ter (NM_001024858.4, NM_001355437.2); short protein forms Q1352*.
Identifiers: ClinVar variation 3726495 (VCV003726495.2).
Genomic context (GRCh38, chr14:64,782,502, plus strand): 5'-TCTTCTCCTTTGTGGTGGCCTGCAGCTCGTCCCAGAGCCGGTGCAGGGCTTCCAGCTTTT[G>A]GGACACCAGGGCTGTAAACTGGGGCTTCTCATCCATCAGCTGCTTTCCTTCCTAGGGGCA-3'

ClinVar aggregate classification (germline): Pathogenic (1 of 4 stars; one submission).

Submission:

Labcorp Genetics (formerly Invitae), Labcorp
Classification: Pathogenic. Last evaluated: 2025-02-11. Review status: criteria provided, single submitter. Criteria: Invitae Variant Classification Sherloc (09022015). Collection method: clinical testing. Allele origin: germline.
Comment: This sequence change creates a premature translational stop signal (p.Gln1352*) in the SPTB gene. It is expected to result in an absent or disrupted protein product. Loss-of-function variants in SPTB are known to be pathogenic (PMID: 1391962, 1498324, 8844207, 26830532, 27292444). This variant is not present in population databases (gnomAD no frequency). This variant has not been reported in the literature in individuals affected with SPTB-related conditions. For these reasons, this variant has been classified as Pathogenic.

Literature cited by the submitters: PubMed 1391962; PubMed 1498324; PubMed 8844207; PubMed 26830532; PubMed 27292444.